The following is an entry in ClinVar:

NM_182961.4(SYNE1):c.2624del (p.Gly875fs)

Gene: SYNE1 (spectrin repeat containing nuclear envelope protein 1; minus strand). Cytogenetic location: 6q25.2.
Variant type: Deletion.
Coding change: c.2624del on transcript NM_182961.4 (MANE Select); coding-DNA position 2624, one base deleted (G; older notation c.2624delG).
Protein change: p.Gly875fs; shifts the reading frame from glycine 875.
Molecular consequence: frameshift variant.
Genome position (GRCh38, 1-based): chr6:152,455,989, C deleted on the plus strand (G on the coding strand, the reverse complement: SYNE1 is on the minus strand); the first of 2 consecutive C bases (chr6:152,455,989-152,455,990); deleting either gives the same sequence. VCF-style (leftmost placement, unchanged base first): chr6-152455988-GC-G. GRCh37 (hg19) VCF-style: chr6-152777123-GC-G.
Other names: c.2645del, p.Gly882fs (NM_033071.5); c.2624delG (NM_182961.4); short protein forms G875fs, G882fs.
Identifiers: ClinVar variation 2664828 (VCV002664828.1), dbSNP rs2502507900, ClinGen allele CA2573051055.
Genomic context (GRCh38, chr6:152,455,988, plus strand): 5'-CGTCTGATCAAAATGCTTTAACACGTTGCTCAAGGTCACAAACTTTTGAACACTTTGACT[GC>G]CTTTCTCAATAAGTGTCAAGGTTTTCTTACAGTTTTCTTGACAAGCTAACAGTTCCTATA-3'

ClinVar aggregate classification (germline): Likely pathogenic (1 of 4 stars; one submission).

Conditions:
Emery-Dreifuss muscular dystrophy 4, autosomal dominant (EDMD4). Also called: EMERY-DREIFUSS MUSCULAR DYSTROPHY 4 WITH VARIABLE FEATURES. Identifiers: Orphanet 261, MedGen C2751807, MONDO:0013071, OMIM 612998.

Submission:

Genetics and Molecular Pathology, SA Pathology
Classification: Likely pathogenic for Emery-Dreifuss muscular dystrophy 4, autosomal dominant. Last evaluated: 2022-03-07. Review status: criteria provided, single submitter. Criteria: ACMG Guidelines, 2015. Collection method: clinical testing. Allele origin: germline. Affected: yes.
Comment: To date all variants causing AD Emery muscular dystrophy in this gene have been missense, thus likely single variant in AR gene associated with AMC3 or SCAR8